The following is an entry in ClinVar:

ClinVar aggregate classification (germline): Benign (1 of 4 stars; one submission).

Allele frequency attached by ClinVar (database versions not stated): gnomAD 0.10250 and 0.10725; TOPMed 0.10943; 1000 Genomes Project 30x 0.11540; 1000 Genomes Project 0.11881; gnomAD exomes 0.13868.
gnomAD v4.1: 57,630 of 450,012 alleles (13%); highest among the groups gnomAD compares: South Asian, 20%; 4,202 homozygotes.

Submission:

GeneDx
Classification: Benign. Last evaluated: 2018-06-14. Review status: criteria provided, single submitter. Criteria: GeneDx Variant Classification (06012015). Collection method: clinical testing. Allele origin: germline. Affected: yes.
Comment: This variant is considered likely benign or benign based on one or more of the following criteria: it is a conservative change, it occurs at a poorly conserved position in the protein, it is predicted to be benign by multiple in silico algorithms, and/or has population frequency not consistent with disease.

NM_002887.4(RARS1):c.369+217A>G

Gene: RARS1 (arginyl-tRNA synthetase 1; plus strand). Cytogenetic location: 5q34.
Variant type: single nucleotide variant.
Coding change: c.369+217A>G on transcript NM_002887.4 (MANE Select); 217 bases into the intron after coding-DNA position 369, A replaced by G.
Molecular consequence: intron variant.
Genome position (GRCh38, 1-based): chr5:168,493,064, A>G. VCF-style: chr5-168493064-A-G. GRCh37 (hg19) VCF-style: chr5-167920069-A-G.
Identifiers: ClinVar variation 672642 (VCV000672642.1), dbSNP rs3756602, ClinGen allele CA15365514.